The following is an entry in ClinVar:

NM_015047.3(EMC1):c.2315C>T (p.Ser772Phe)

Genes: EMC1 (ER membrane protein complex subunit 1; minus strand), EMC1-AS1 (EMC1 antisense RNA 1; plus strand). Cytogenetic location: 1p36.13.
Variant type: single nucleotide variant.
Coding change: c.2315C>T on transcript NM_015047.3 (MANE Select); coding-DNA position 2315, C replaced by T.
Protein change: p.Ser772Phe; replaces serine 772 with phenylalanine.
Molecular consequence: missense variant.
Genome position (GRCh38, 1-based): chr1:19,223,457, G>A on the plus strand (C>T on the coding strand, the complement: EMC1 is on the minus strand). VCF-style: chr1-19223457-G-A. GRCh37 (hg19) VCF-style: chr1-19549951-G-A.
Other names: c.2315C>T (NM_015047.1); c.2312C>T, p.Ser771Phe (NM_001271427.2, NM_001271428.2); c.2249C>T, p.Ser750Phe (NM_001271429.2); c.2324C>T, p.Ser775Phe (NM_001375820.1); c.2321C>T, p.Ser774Phe (NM_001375821.1); short protein forms S771F, S772F, S750F, S775F, S774F.
Identifiers: ClinVar variation 2998654 (VCV002998654.3), dbSNP rs2093447548, ClinGen allele CA338754897.
Genomic context (GRCh38, chr1:19,223,457, plus strand): 5'-ACCACCCAGTTCTCTGAATGCACGATATGGACAGGGCCTTTGGCTTTCTTCTGCACAGAG[G>A]AGTGAATGATACGCCCAGTGACGCCATCAATGAGGAAGATGCCAATAAAGGTGCGCTCAT-3'
Protein context (NP_055862.1, residues 762-782): IDGVTGRIIH[Ser772Phe]SVQKKAKGPV

ClinVar aggregate classification (germline): Uncertain significance. Review status: criteria provided, multiple submitters, no conflicts (2 of 4 stars). 2 submissions from 2 submitters: Uncertain significance (2). Last evaluated 2025-11-24.

Conditions:
Inborn genetic diseases. Identifiers: MedGen C0950123, MeSH D030342.

gnomAD v4.1: 3 of 1,614,192 alleles (0.00019%); highest among the groups gnomAD compares: African/African-American, 0.004%; no homozygotes.

Submissions (2):

Ambry Genetics
Classification: Uncertain significance for Inborn genetic diseases. Last evaluated: 2025-11-24. Review status: criteria provided, single submitter. Criteria: Ambry Variant Classification Scheme 2023. Collection method: clinical testing. Allele origin: germline.

Labcorp Genetics (formerly Invitae), Labcorp
Classification: Uncertain significance. Last evaluated: 2025-01-06. Review status: criteria provided, single submitter. Criteria: Invitae Variant Classification Sherloc (09022015). Collection method: clinical testing. Allele origin: germline.
Comment: This sequence change replaces serine, which is neutral and polar, with phenylalanine, which is neutral and non-polar, at codon 772 of the EMC1 protein (p.Ser772Phe). This variant is not present in population databases (gnomAD no frequency). This variant has not been reported in the literature in individuals affected with EMC1-related conditions. ClinVar contains an entry for this variant (Variation ID: 2998654). Invitae Evidence Modeling of protein sequence and biophysical properties (such as structural, functional, and spatial information, amino acid conservation, physicochemical variation, residue mobility, and thermodynamic stability) indicates that this missense variant is not expected to disrupt EMC1 protein function with a negative predictive value of 80%. In summary, the available evidence is currently insufficient to determine the role of this variant in disease. Therefore, it has been classified as a Variant of Uncertain Significance.